The following is an entry in ClinVar:

NM_000443.4(ABCB4):c.1102T>A (p.Phe368Ile)

Gene: ABCB4 (ATP binding cassette subfamily B member 4; minus strand). Cytogenetic location: 7q21.12.
Variant type: single nucleotide variant.
Coding change: c.1102T>A on transcript NM_000443.4 (MANE Select); coding-DNA position 1102, T replaced by A.
Protein change: p.Phe368Ile; replaces phenylalanine 368 with isoleucine.
Molecular consequence: missense variant.
Genome position (GRCh38, 1-based): chr7:87,444,879, A>T on the plus strand (T>A on the coding strand, the complement: ABCB4 is on the minus strand). VCF-style: chr7-87444879-A-T. GRCh37 (hg19) VCF-style: chr7-87074195-A-T.
Other names: c.1102T>A, p.Phe368Ile (NM_018849.3, NM_018850.3); short protein forms F368I.
Identifiers: ClinVar variation 4846446 (VCV004846446.1).

ClinVar aggregate classification (germline): Uncertain significance (1 of 4 stars; one submission).

Conditions:
Familial intrahepatic cholestasis. Identifiers: Orphanet 284385, MedGen CN296401, MONDO:0017290.

gnomAD v4.1: 3 of 1,608,478 alleles (0.00019%); highest among the groups gnomAD compares: Non-Finnish European, 0.00017%; no homozygotes.

Submission:

Genomenon, Inc
Classification: Uncertain significance for Familial intrahepatic cholestasis. Last evaluated: 2026-04-14. Review status: criteria provided, single submitter. Criteria: Genomenon Sequence Variant Interpretation Standards - Updated. Collection method: curation. Allele origin: germline. Affected: yes.
Comment: ABCB4 p.Phe368Ile (c.1102T>A) is a missense variant that changes the amino acid at residue 368 from Phenylalanine to Isoleucine. This variant has been observed in at least one proband with an ABCB4-related disorder (PMID:19266607). The variant was found to segregate with disease in at least one affected family (PMID:19266607). It is absent or not present at a significant frequency in gnomAD. In silico models predict that this variant is possibly or probably damaging. In conclusion, we classify ABCB4 p.Phe368Ile (c.1102T>A) as a variant of uncertain significance.

Literature cited by the submitters: PubMed 19266607.